The following is an entry in ClinVar:

NM_000092.5(COL4A4):c.1099G>A (p.Gly367Ser)

Gene: COL4A4 (collagen type IV alpha 4 chain; minus strand). Cytogenetic location: 2q36.3.
Variant type: single nucleotide variant.
Coding change: c.1099G>A on transcript NM_000092.5 (MANE Select); coding-DNA position 1099, G replaced by A.
Protein change: p.Gly367Ser; replaces glycine 367 with serine.
Molecular consequence: missense variant.
Genome position (GRCh38, 1-based): chr2:227,099,620, C>T on the plus strand (G>A on the coding strand, the complement: COL4A4 is on the minus strand). VCF-style: chr2-227099620-C-T. GRCh37 (hg19) VCF-style: chr2-227964336-C-T.
Other names: c.1099G>A (NM_000092.4); short protein forms G367S.
Identifiers: ClinVar variation 1453657 (VCV001453657.13), dbSNP rs764981982, ClinGen allele CA2145294.

ClinVar aggregate classification (germline): Conflicting classifications of pathogenicity. Review status: criteria provided, conflicting classifications (1 of 4 stars). 5 submissions from 5 submitters: Pathogenic (1); Likely pathogenic (3); Uncertain significance (1). Last evaluated 2026-07-21.

Conditions:
Hematuria, benign familial, 1 (BFH1). Also called: THIN MEMBRANE NEPHROPATHY. Identifiers: MedGen CN376803, MONDO:0007709, OMIM 141200.
Autosomal recessive Alport syndrome (ATS2). Also called: COL4A3-Related Nephropathy; COL4A4 Alport Syndrome and Thin Basement Membrane Nephropathy; ALPORT SYNDROME 2, AUTOSOMAL RECESSIVE; Alport syndrome type 2. Identifiers: Orphanet 63, Orphanet 88919, MedGen C4746745, MONDO:0008762, OMIM 203780.
Alport syndrome. Also called: Hemorrhagic familial nephritis; Hemorrhagic hereditary nephritis; Congenital hereditary hematuria. Identifiers: Orphanet 63, MedGen C1567741, MONDO:0018965.
COL4A4-related disorder.

Allele frequency attached by ClinVar (database versions not stated): gnomAD exomes below 0.00001; ExAC 0.00001; TOPMed 0.00001.

Submissions (5):

Myriad Genetics, Inc.
Classification: Uncertain significance for Alport syndrome. Last evaluated: 2026-07-21. Review status: criteria provided, single submitter. Criteria: Myriad Autosomal Dominant, Autosomal Recessive and X-Linked Classification Criteria (2023). Collection method: clinical testing. Allele origin: unknown.
Comment: NM_000092.4(COL4A4):c.1099G>A(G367S) is a missense variant classified as a variant of uncertain significance in the context of Alport syndrome, COL4A4-related. G367S has been observed in cases with relevant disease (PMID: 36130833, 41059411). Relevant functional assessments of this variant are not available in the literature. G367S has not been observed in referenced population frequency databases. In summary, there is insufficient evidence to classify NM_000092.4(COL4A4):c.1099G>A(G367S) as pathogenic or benign. Please note: this variant was assessed in the context of healthy population screening.

Natera, Inc.
Classification: Likely pathogenic for Alport syndrome. Last evaluated: 2025-08-21. Review status: criteria provided, single submitter. Criteria: Natera Variant Classification Schema (03/2026). Collection method: clinical testing. Allele origin: germline.
Comment: The c.1099G>A variant in COL4A4 is a missense variant predicted to cause substitution of glycine to serine at amino acid 367. This variant is rare in the general population with a frequency below the threshold expected for the associated phenotype(s). This variant has been observed in affected individual(s) with monoallelic occurrence (heterozygous/hemizygous) (PMID: 36130833). This variant has been identified in one or more affected individual with a phenotype highly consistent with the associated gene (PMID: 36130833). This variant is located in a functionally critical region of the protein. Computational prediction algorithms indicate this variant is likely to affect gene or protein function. Given the available evidence, this variant is classified as Likely Pathogenic.

Labcorp Genetics (formerly Invitae), Labcorp
Classification: Pathogenic. Last evaluated: 2025-06-17. Review status: criteria provided, single submitter. Criteria: Invitae Variant Classification Sherloc (09022015). Collection method: clinical testing. Allele origin: germline.
Comment: This sequence change replaces glycine, which is neutral and non-polar, with serine, which is neutral and polar, at codon 367 of the COL4A4 protein (p.Gly367Ser). This variant also falls at the last nucleotide of exon 18, which is part of the consensus splice site for this exon. This variant is present in population databases (rs764981982, gnomAD 0.0009%). This missense change has been observed in individuals with clinical features of Alport syndrome (internal data). It has also been observed to segregate with disease in related individuals. ClinVar contains an entry for this variant (Variation ID: 1453657). An algorithm developed to predict the effect of missense changes on protein structure and function (PolyPhen-2) suggests that this variant is likely to be disruptive. Variants that disrupt the consensus splice site are a relatively common cause of aberrant splicing (PMID: 17576681, 9536098). Algorithms developed to predict the effect of sequence changes on RNA splicing suggest that this variant may disrupt the consensus splice site. For these reasons, this variant has been classified as Pathogenic.

Clinical Genomics Laboratory, Washington University in St. Louis
Classification: Likely pathogenic for Hematuria, benign familial, 1; Autosomal recessive Alport syndrome. Last evaluated: 2025-01-05. Review status: criteria provided, single submitter. Criteria: ACMG Guidelines, 2015. Collection method: clinical testing. Allele origin: germline. Affected: yes.
Comment: The COL4A4 c.1099G>A (p.Gly367Ser) variant, to our knowledge, has not been reported in the medical literature. This variant has been reported in the ClinVar database as a germline likely pathogenic variant by one submitter and as a pathogenic variant by one submitter (Variation ID: 1453657). This variant is only observed on 1 out of 249,492 alleles in the general population (gnomAD v.2.1.1), indicating it is not a common variant. This variant resides within the Gly-X-Y repeats of the triple helix domain, the glycine residues of these repeats are required for the structure and stability of collagen, and loss of glycine residues is the known pathogenic mechanism in many collagen-related disorders (Bella J et al., PMID: 7695699.; Long CG et al., PMID: 8218237; Shoulders MD and Raines RT. PMID: 19344236). Computational predictors indicate that the variant is damaging, evidence that correlates with impact to COL4A4 function. Computational predictors also indicate that this variant would alter splicing. Other variants in the same splice motif, c.1099+1G>T and c.1099+1G>A, have already been submitted to ClinVar as likely pathogenic and pathogenic (Variation ID: 2203275, Variation ID: 1333430). Based on available information and the ACMG/AMP guidelines for variant interpretation (Richards S et al., PMID: 25741868), this variant is classified as likely pathogenic.

PreventionGenetics, part of Exact Sciences
Classification: Likely pathogenic for COL4A4-related condition. Last evaluated: 2022-11-22. Review status: criteria provided, single submitter. Criteria: ACMG Guidelines, 2015. Collection method: clinical testing. Allele origin: germline.
Comment: The COL4A4 c.1099G>A variant is predicted to result in the amino acid substitution p.Gly367Ser. The p.Gly367Ser variant affects a Gly residue of the COL4A4 conserved triple helical domain (residues 65 – 1459) and is predicted to alter splicing based on available splicing prediction programs (Alamut Visual Plus v1.6.1). To our knowledge, this variant has not been reported in the literature. This variant is reported in 0.00088% of alleles in individuals of European (Non-Finnish) descent in gnomAD. This variant is interpreted as likely pathogenic.

Literature cited by the submitters: PubMed 36130833 (cited by Myriad Genetics, Inc. and Natera, Inc.); PubMed 41059411 (cited by Myriad Genetics, Inc.); PubMed 17576681 (cited by Labcorp Genetics (formerly Invitae), Labcorp); PubMed 9536098 (cited by Labcorp Genetics (formerly Invitae), Labcorp).